The following is an entry in ClinVar:

ClinVar aggregate classification (germline): Uncertain significance (1 of 4 stars; one submission).

Conditions:
Cardiovascular phenotype. Identifiers: MedGen CN230736.

Submission:

Ambry Genetics
Classification: Uncertain significance for Cardiovascular phenotype. Last evaluated: 2024-12-14. Review status: criteria provided, single submitter. Criteria: Ambry Variant Classification Scheme 2023. Collection method: clinical testing. Allele origin: germline.
Comment: The p.C241Y variant (also known as c.722G>A), located in coding exon 6 of the EFEMP2 gene, results from a G to A substitution at nucleotide position 722. The cysteine at codon 241 is replaced by tyrosine, an amino acid with highly dissimilar properties. This amino acid position is conserved. In addition, this alteration is predicted to be deleterious by in silico analysis. Based on the available evidence, the clinical significance of this variant remains unclear.

NM_016938.5(EFEMP2):c.722G>A (p.Cys241Tyr)

Gene: EFEMP2 (EGF containing fibulin extracellular matrix protein 2; minus strand). Cytogenetic location: 11q13.1.
Variant type: single nucleotide variant.
Coding change: c.722G>A on transcript NM_016938.5 (MANE Select); coding-DNA position 722, G replaced by A.
Protein change: p.Cys241Tyr; replaces cysteine 241 with tyrosine.
Molecular consequence: missense variant. On other transcripts: non-coding transcript variant (1).
Genome position (GRCh38, 1-based): chr11:65,869,862, C>T on the plus strand (G>A on the coding strand, the complement: EFEMP2 is on the minus strand). VCF-style: chr11-65869862-C-T. GRCh37 (hg19) VCF-style: chr11-65637333-C-T.
Other names: short protein forms C241Y.
Identifiers: ClinVar variation 3843632 (VCV003843632.1).